The following is an entry in ClinVar:

NM_020774.4(MIB1):c.1911T>A (p.His637Gln)

Gene: MIB1 (MIB E3 ubiquitin protein ligase 1; plus strand). Cytogenetic location: 18q11.2.
Variant type: single nucleotide variant.
Coding change: c.1911T>A on transcript NM_020774.4 (MANE Select); coding-DNA position 1911, T replaced by A.
Protein change: p.His637Gln; replaces histidine 637 with glutamine.
Molecular consequence: missense variant.
Genome position (GRCh38, 1-based): chr18:21,838,446, T>A. VCF-style: chr18-21838446-T-A. GRCh37 (hg19) VCF-style: chr18-19418407-T-A.
Other names: c.1911T>A (NM_020774.2); short protein forms H637Q.
Identifiers: ClinVar variation 1677694 (VCV001677694.2), dbSNP rs765634646, ClinGen allele CA8908453.

ClinVar aggregate classification (germline): Uncertain significance. Review status: criteria provided, multiple submitters, no conflicts (2 of 4 stars). 2 submissions from 2 submitters: Uncertain significance (2). Last evaluated 2026-01-17.

Conditions:
Inborn genetic diseases. Identifiers: MedGen C0950123, MeSH D030342.

Allele frequency attached by ClinVar (database versions not stated): gnomAD exomes below 0.00001; ExAC 0.00001.
gnomAD v4.1: 1 of 1,612,162 alleles (0.000062%); highest among the groups gnomAD compares: Non-Finnish European, 0.000085%; no homozygotes.

Submissions (2):

Ambry Genetics
Classification: Uncertain significance for Inborn genetic diseases. Last evaluated: 2026-01-17. Review status: criteria provided, single submitter. Criteria: Ambry Variant Classification Scheme 2023. Collection method: clinical testing. Allele origin: germline.
Comment: The p.H637Q variant (also known as c.1911T>A), located in coding exon 13 of the MIB1 gene, results from a T to A substitution at nucleotide position 1911. The histidine at codon 637 is replaced by glutamine, an amino acid with highly similar properties. This amino acid position is conserved. In addition, this alteration is predicted to be deleterious by in silico analysis. Based on the available evidence, the clinical significance of this variant remains unclear.

AiLife Diagnostics
Classification: Uncertain significance. Last evaluated: 2021-12-15. Review status: criteria provided, single submitter. Criteria: ACMG Guidelines, 2015. Collection method: clinical testing. Allele origin: germline. Affected: yes. Observed: 1 variant allele.